The following is an entry in ClinVar:

NM_000612.6(IGF2):c.245C>T (p.Thr82Met)

Genes: IGF2 (insulin like growth factor 2; minus strand), INS-IGF2 (INS-IGF2 readthrough; minus strand). Cytogenetic location: 11p15.5.
Variant type: single nucleotide variant.
Coding change: c.245C>T on transcript NM_000612.6 (MANE Select); coding-DNA position 245, C replaced by T.
Protein change: p.Thr82Met; replaces threonine 82 with methionine.
Molecular consequence: missense variant. On other transcripts: non-coding transcript variant (1).
Genome position (GRCh38, 1-based): chr11:2,133,578, G>A on the plus strand (C>T on the coding strand, the complement: IGF2 is on the minus strand). VCF-style: chr11-2133578-G-A. GRCh37 (hg19) VCF-style: chr11-2154808-G-A.
Other names: c.413C>T (NM_001127598.1); c.245C>T, p.Thr82Met (NM_001007139.6, NM_001291861.3, NM_001291862.3); c.413C>T, p.Thr138Met (NM_001127598.3); short protein forms T82M, T138M.
Identifiers: ClinVar variation 1505532 (VCV001505532.9), dbSNP rs746888392, ClinGen allele CA5817669.

ClinVar aggregate classification (germline): Uncertain significance. Review status: criteria provided, multiple submitters, no conflicts (2 of 4 stars). 2 submissions from 2 submitters: Uncertain significance (2). Last evaluated 2025-10-13.

Conditions:
Inborn genetic diseases. Identifiers: MedGen C0950123, MeSH D030342.

Allele frequency attached by ClinVar (database versions not stated): gnomAD exomes below 0.00001 and 0.00002; TOPMed 0.00001; gnomAD 0.00002 and 0.00001; ExAC 0.00001.
gnomAD v4.1: 28 of 1,612,918 alleles (0.0017%); highest among the groups gnomAD compares: East Asian, 0.0022%; no homozygotes.

Submissions (2):

Labcorp Genetics (formerly Invitae), Labcorp
Classification: Uncertain significance. Last evaluated: 2025-10-13. Review status: criteria provided, single submitter. Criteria: Invitae Variant Classification Sherloc (09022015). Collection method: clinical testing. Allele origin: germline.
Comment: This sequence change replaces threonine, which is neutral and polar, with methionine, which is neutral and non-polar, at codon 82 of the IGF2 protein (p.Thr82Met). The frequency data for this variant in the population databases is considered unreliable, as metrics indicate poor data quality at this position in the gnomAD database. This variant has not been reported in the literature in individuals affected with IGF2-related conditions. ClinVar contains an entry for this variant (Variation ID: 1505532). An algorithm developed to predict the effect of missense changes on protein structure and function (PolyPhen-2) suggests that this variant is likely to be disruptive. In summary, the available evidence is currently insufficient to determine the role of this variant in disease. Therefore, it has been classified as a Variant of Uncertain Significance.

Ambry Genetics
Classification: Uncertain significance for Inborn genetic diseases. Last evaluated: 2025-07-15. Review status: criteria provided, single submitter. Criteria: Ambry Variant Classification Scheme 2023. Collection method: clinical testing. Allele origin: germline.